The following is an entry in ClinVar:

ClinVar aggregate classification (germline): Likely pathogenic (1 of 4 stars; one submission).

Conditions:
Carpenter syndrome. Identifiers: Orphanet 65759, MedGen C1275078, MONDO:0019012.

Submission:

Dubai Health Genomic Medicine Center, Dubai Health
Classification: Likely pathogenic for Carpenter syndrome. Last evaluated: 2024-10-04. Review status: criteria provided, single submitter. Criteria: ACMG Guidelines, 2015. Collection method: research. Allele origin: germline. Affected: yes.
Comment: PVS1,PM2,PP1

NM_016277.5(RAB23):c.482-1G>A

Gene: RAB23 (RAB23, member RAS oncogene family; minus strand). Cytogenetic location: 6p12.1.
Variant type: single nucleotide variant.
Coding change: c.482-1G>A on transcript NM_016277.5 (MANE Select); the canonical splice acceptor site of the intron before coding-DNA position 482, G replaced by A.
Molecular consequence: splice acceptor variant.
Genome position (GRCh38, 1-based): chr6:57,193,935, C>T on the plus strand (G>A on the coding strand, the complement: RAB23 is on the minus strand). VCF-style: chr6-57193935-C-T. GRCh37 (hg19) VCF-style: chr6-57058733-C-T.
Other names: c.482-1G>A (NM_001278666.2, NM_001278667.2, NM_001278668.2 and 1 more transcripts).
Identifiers: ClinVar variation 3384105 (VCV003384105.1).